The following is an entry in ClinVar:

ClinVar aggregate classification (germline): Uncertain significance (1 of 4 stars; one submission).

Conditions:
Hereditary cancer-predisposing syndrome. Also called: Hereditary Cancer Syndrome; Hereditary neoplastic syndrome; Neoplastic Syndromes, Hereditary; Tumor predisposition. Identifiers: Orphanet 140162, MedGen C0027672, MeSH D009386, MONDO:0015356.

Submission:

Ambry Genetics
Classification: Uncertain significance for Hereditary cancer-predisposing syndrome. Last evaluated: 2025-12-10. Review status: criteria provided, single submitter. Criteria: Ambry Variant Classification Scheme 2023. Collection method: clinical testing. Allele origin: germline.
Comment: The p.Q512* variant (also known as c.1534C>T), located in coding exon 16 of the MUTYH gene, results from a C to T substitution at nucleotide position 1534. This changes the amino acid from a glutamine to a stop codon within coding exon 16. This alteration occurs at the 3' terminus of theMUTYH gene, is not expected to trigger nonsense-mediated mRNAdecay, and impacts the last 7% of the protein. The exact functional effect of this alteration is unknown. Based on internal structural analysis, p.Q512* results in loss of the PCNA-binding motif (Parker A et al. J Biol Chem, 2001 Feb;276:5547-55; Chang DY et al. J Biol Chem, 2002 Apr;277:11853-8). Since supporting evidence is limited at this time, the clinical significance of this alteration remains unclear.

Literature cited by the submitters: PubMed 11092888; PubMed 11805113.

NM_001048174.2(MUTYH):c.1450C>T (p.Gln484Ter)

Gene: MUTYH (mutY DNA glycosylase; minus strand). Cytogenetic location: 1p34.1.
Variant type: single nucleotide variant.
Coding change: c.1450C>T on transcript NM_001048174.2 (MANE Select); coding-DNA position 1450, C replaced by T.
Protein change: p.Gln484Ter; replaces glutamine 484 with a stop codon.
Molecular consequence: nonsense. On other transcripts: non-coding transcript variant (2).
Genome position (GRCh38, 1-based): chr1:45,329,422, G>A on the plus strand (C>T on the coding strand, the complement: MUTYH is on the minus strand). VCF-style: chr1-45329422-G-A. GRCh37 (hg19) VCF-style: chr1-45795094-G-A.
Other names: c.1450C>T, p.Gln484Ter (NM_001048171.2, NM_001048173.2, NM_001293195.2 and 6 more transcripts); c.1453C>T, p.Gln485Ter (NM_001048172.2, NM_001407071.1, NM_001407078.1 and 1 more transcripts); c.1534C>T, p.Gln512Ter (NM_001128425.2); c.1495C>T, p.Gln499Ter (NM_001293190.2); c.1483C>T, p.Gln495Ter (NM_001293191.2, NM_001407069.1, NM_001407077.1); c.1174C>T, p.Gln392Ter (NM_001293192.2, NM_001293196.2, NM_001407091.1); c.1105C>T, p.Gln369Ter (NM_001350650.2, NM_001350651.2, NM_001407082.1); c.1366C>T, p.Gln456Ter (NM_001407075.1); and 5 more; short protein forms Q369*, Q392*, Q470*, Q491*, Q499*, Q512*, Q471*, Q484*.
Identifiers: ClinVar variation 1774695 (VCV001774695.3), dbSNP rs1644379783, ClinGen allele CA340131911.